The following is an entry in ClinVar:

NM_007294.4(BRCA1):c.1000C>G (p.Pro334Ala)

Gene: BRCA1 (BRCA1 DNA repair associated; minus strand). Cytogenetic location: 17q21.31.
Variant type: single nucleotide variant.
Coding change: c.1000C>G on transcript NM_007294.4 (MANE Select); coding-DNA position 1000, C replaced by G.
Protein change: p.Pro334Ala; replaces proline 334 with alanine.
Molecular consequence: missense variant. On other transcripts: intron variant (137).
Genome position (GRCh38, 1-based): chr17:43,094,531, G>C on the plus strand (C>G on the coding strand, the complement: BRCA1 is on the minus strand). VCF-style: chr17-43094531-G-C. GRCh37 (hg19) VCF-style: chr17-41246548-G-C.
Other names: c.1000C>G, p.Pro334Ala (NM_001407605.1, NM_001407621.1, NM_001407622.1 and 30 more transcripts); c.997C>G, p.Pro333Ala (NM_001407610.1, NM_001407611.1, NM_001407612.1 and 22 more transcripts); c.667C>G, p.Pro223Ala (NM_001407948.1, NM_001407949.1, NM_001407950.1 and 6 more transcripts); c.664C>G, p.Pro222Ala (NM_001407954.1, NM_001407955.1, NM_001407956.1 and 1 more transcripts); c.619C>G, p.Pro207Ala (NM_001407959.1, NM_001407960.1, NM_001407963.1); c.616C>G, p.Pro206Ala (NM_001407962.1); c.856C>G, p.Pro286Ala (NM_001407964.1, NM_001407740.1, NM_001407741.1 and 20 more transcripts); c.496C>G, p.Pro166Ala (NM_001407965.1); and 40 more; short protein forms P166A, P206A, P207A, P222A, P223A, P245A, P246A, P263A.
Identifiers: ClinVar variation 1721386 (VCV001721386.8), dbSNP rs1555592700, ClinGen allele CA10600061.

ClinVar aggregate classification (germline): Conflicting classifications of pathogenicity. Review status: criteria provided, conflicting classifications (1 of 4 stars). 2 submissions from 2 submitters: Uncertain significance (1); Likely benign (1). Last evaluated 2023-03-23.

Conditions:
Hereditary cancer-predisposing syndrome. Also called: Hereditary neoplastic syndrome; Neoplastic Syndromes, Hereditary; Hereditary Cancer Syndrome; Tumor predisposition. Identifiers: Orphanet 140162, MedGen C0027672, MeSH D009386, MONDO:0015356.
Hereditary breast ovarian cancer syndrome. Also called: BRCA1- and BRCA2-Associated Hereditary Breast and Ovarian Cancer; Hereditary breast and ovarian cancer syndrome (HBOC); Hereditary breast and/or ovarian cancer syndrome; Hereditary breast and ovarian cancer syndrome; Hereditary breast and ovarian cancer; Breast and ovarian cancer. Identifiers: Orphanet 145, MedGen C0677776, MeSH D061325, MONDO:0003582. Disease mechanism: loss of function.

Submissions (2):

University of Washington Department of Laboratory Medicine, University of Washington
Classification: Likely benign for Hereditary cancer-predisposing syndrome. Last evaluated: 2023-03-23. Review status: criteria provided, single submitter. Criteria: Dines et al. (Genet Med. 2020). Collection method: curation. Allele origin: germline.
Comment: Missense variant in a coldspot region where missense variants are very unlikely to be pathogenic (PMID:31911673).

BRCA1 coldspot (exon 11 using historical exon numbering). Reclassification based on statistical prior probability

Labcorp Genetics (formerly Invitae), Labcorp
Classification: Uncertain significance for Hereditary breast ovarian cancer syndrome. Last evaluated: 2022-10-10. Review status: criteria provided, single submitter. Criteria: Invitae Variant Classification Sherloc (09022015). Collection method: clinical testing. Allele origin: germline.
Comment: In summary, the available evidence is currently insufficient to determine the role of this variant in disease. Therefore, it has been classified as a Variant of Uncertain Significance. Advanced modeling of protein sequence and biophysical properties (such as structural, functional, and spatial information, amino acid conservation, physicochemical variation, residue mobility, and thermodynamic stability) performed at Invitae indicates that this missense variant is not expected to disrupt BRCA1 protein function. This variant has not been reported in the literature in individuals affected with BRCA1-related conditions. This variant is not present in population databases (gnomAD no frequency). This sequence change replaces proline, which is neutral and non-polar, with alanine, which is neutral and non-polar, at codon 334 of the BRCA1 protein (p.Pro334Ala).